The following is an entry in ClinVar:

ClinVar aggregate classification (germline): Uncertain significance (0 of 4 stars; one submission).

Conditions:
MC4R-related disorder. Also called: MC4R-related condition.

Submission:

PreventionGenetics, part of Exact Sciences
Classification: Uncertain significance for MC4R-related condition. Last evaluated: 2024-08-29. Review status: no assertion criteria provided. Collection method: clinical testing. Allele origin: germline.
Comment: The MC4R c.233C>G variant is predicted to result in the amino acid substitution p.Pro78Arg. To our knowledge, this variant has not been reported in the literature or in a large population database, indicating this variant is rare. Another variant affecting the same amino acid (c.233C>T, p.Pro78Leu) has been reported in the heterozygous state in an individual with obesity (Hinney et al. 1999. PubMed ID: 10199800) and functional studies suggest that this variant leads to loss of receptor ligand binding in vitro (Figure 1, Nijenhuis et al. 2003. PubMed ID: 12690102; Table 1, Tao et al. 2003. PubMed ID: 12959994). Although we suspect that this variant may be pathogenic, at this time, the clinical significance of this variant is uncertain due to the absence of conclusive functional and genetic evidence.

NM_005912.3(MC4R):c.233C>G (p.Pro78Arg)

Gene: MC4R (melanocortin 4 receptor; minus strand). Cytogenetic location: 18q21.32.
Variant type: single nucleotide variant.
Coding change: c.233C>G on transcript NM_005912.3 (MANE Select); coding-DNA position 233, C replaced by G.
Protein change: p.Pro78Arg; replaces proline 78 with arginine.
Molecular consequence: missense variant.
Genome position (GRCh38, 1-based): chr18:60,372,117, G>C on the plus strand (C>G on the coding strand, the complement: MC4R is on the minus strand). VCF-style: chr18-60372117-G-C. GRCh37 (hg19) VCF-style: chr18-58039350-G-C.
Other names: short protein forms P78R.
Identifiers: ClinVar variation 3345867 (VCV003345867.1).